The following is an entry in ClinVar:

ClinVar aggregate classification (germline): Uncertain significance. Review status: criteria provided, multiple submitters, no conflicts (2 of 4 stars). 2 submissions from 2 submitters: Uncertain significance (2). Last evaluated 2025-08-27.

Conditions:
Inborn genetic diseases. Identifiers: MedGen C0950123, MeSH D030342.
Cornelia de Lange syndrome 1 (CDLS1). Also called: Brachmann de Lange syndrome; TYPUS DEGENERATIVUS AMSTELODAMENSIS; NIPBL-Related Cornelia de Lange Syndrome. Identifiers: Orphanet 199, MedGen C4551851, MONDO:0007387, OMIM 122470.

gnomAD v4.1: 4 of 1,613,846 alleles (0.00025%); highest among the groups gnomAD compares: Admixed American, 0.0017%; no homozygotes.

Submissions (2):

Ambry Genetics
Classification: Uncertain significance for Inborn genetic diseases. Last evaluated: 2025-08-27. Review status: criteria provided, single submitter. Criteria: Ambry Variant Classification Scheme 2023. Collection method: clinical testing. Allele origin: germline.

Labcorp Genetics (formerly Invitae), Labcorp
Classification: Uncertain significance for Cornelia de Lange syndrome 1. Last evaluated: 2024-06-26. Review status: criteria provided, single submitter. Criteria: Invitae Variant Classification Sherloc (09022015). Collection method: clinical testing. Allele origin: germline.
Comment: This sequence change replaces glutamic acid, which is acidic and polar, with lysine, which is basic and polar, at codon 665 of the NIPBL protein (p.Glu665Lys). This variant is present in population databases (no rsID available, gnomAD 0.003%). This variant has not been reported in the literature in individuals affected with NIPBL-related conditions. Advanced modeling of protein sequence and biophysical properties (such as structural, functional, and spatial information, amino acid conservation, physicochemical variation, residue mobility, and thermodynamic stability) performed at Invitae indicates that this missense variant is not expected to disrupt NIPBL protein function with a negative predictive value of 95%. In summary, the available evidence is currently insufficient to determine the role of this variant in disease. Therefore, it has been classified as a Variant of Uncertain Significance.

NM_133433.4(NIPBL):c.1993G>A (p.Glu665Lys)

Gene: NIPBL (NIPBL cohesin loading factor; plus strand). Cytogenetic location: 5p13.2.
Variant type: single nucleotide variant.
Coding change: c.1993G>A on transcript NM_133433.4 (MANE Select); coding-DNA position 1993, G replaced by A.
Protein change: p.Glu665Lys; replaces glutamic acid 665 with lysine.
Molecular consequence: missense variant.
Genome position (GRCh38, 1-based): chr5:36,985,173, G>A. VCF-style: chr5-36985173-G-A. GRCh37 (hg19) VCF-style: chr5-36985275-G-A.
Other names: c.1993G>A (NM_133433.3); c.1993G>A, p.Glu665Lys (NM_015384.5); short protein forms E665K.
Identifiers: ClinVar variation 3699176 (VCV003699176.3).